The following is an entry in ClinVar:

NM_021098.3(CACNA1H):c.6543G>A (p.Ala2181=)

Gene: CACNA1H (calcium voltage-gated channel subunit alpha1 H; plus strand). Cytogenetic location: 16p13.3.
Variant type: single nucleotide variant.
Coding change: c.6543G>A on transcript NM_021098.3 (MANE Select); coding-DNA position 6543, G replaced by A.
Protein change: p.Ala2181=; no amino-acid change (alanine 2181 retained).
Molecular consequence: synonymous variant.
Genome position (GRCh38, 1-based): chr16:1,220,475, G>A. VCF-style: chr16-1220475-G-A. GRCh37 (hg19) VCF-style: chr16-1270475-G-A.
Other names: c.6525G>A, p.Ala2175= (NM_001005407.2).
Identifiers: ClinVar variation 460170 (VCV000460170.17), dbSNP rs117964326, ClinGen allele CA7802407.
Genomic context (GRCh38, chr16:1,220,475, plus strand): 5'-CAGCGGGGAGCCTGGGGAGGCGAAGGCCTGGGGCCCTGAGGCCGAGCCCGCTCTGGGTGC[G>A]CGCAGAAAGAAGAAGATGAGCCCCCCCTGCATCTCGGTGGAACCCCCTGCGGAGGACGAG-3'
Protein context (NP_066921.2, residues 2171-2191): WGPEAEPALG[Ala2181=]RRKKKMSPPC

ClinVar aggregate classification (germline): Benign/Likely benign. Review status: criteria provided, multiple submitters, no conflicts (2 of 4 stars). 5 submissions from 5 submitters: Benign (2); Likely benign (2). 1 of the submissions does not count toward it. Last evaluated 2026-01-17.

Conditions:
Hyperaldosteronism, familial, type IV (HALD4). Also called: FH IV; ALDOSTERONISM, PRIMARY, AND HYPERTENSION. Identifiers: Orphanet 642671, MedGen C4310756, MONDO:0014875, OMIM 617027.
Idiopathic generalized epilepsy. Also called: Generalised epilepsy; EIG. Identifiers: MedGen C0270850, MONDO:0005579, OMIM 600669.
CACNA1H-related disorder.
Epilepsy, childhood absence, susceptibility to, 6. Identifiers: Orphanet 64280, MedGen C2749872, MONDO:0012763, OMIM 611942.

Allele frequency attached by ClinVar (database versions not stated): gnomAD 0.00118; TOPMed 0.00158; ExAC 0.00166; gnomAD exomes 0.00172; 1000 Genomes Project 30x 0.00484; 1000 Genomes Project 0.00499.
gnomAD v4.1: 923 of 1,546,814 alleles (0.06%); highest among the groups gnomAD compares: East Asian, 1.8%; 9 homozygotes.

Submissions (5):

Labcorp Genetics (formerly Invitae), Labcorp
Classification: Benign for Idiopathic generalized epilepsy; Hyperaldosteronism, familial, type IV. Last evaluated: 2026-01-17. Review status: criteria provided, single submitter. Criteria: Invitae Variant Classification Sherloc (09022015). Collection method: clinical testing. Allele origin: germline.

Blueprint Genetics
Classification: Likely benign. Last evaluated: 2024-11-27. Review status: criteria provided, single submitter. Criteria: ACMG Guidelines, 2015. Collection method: clinical testing. Allele origin: germline.

Fulgent Genetics
Classification: Likely benign for Epilepsy, childhood absence, susceptibility to, 6; Hyperaldosteronism, familial, type IV. Last evaluated: 2021-09-07. Review status: criteria provided, single submitter. Criteria: ACMG Guidelines, 2015. Collection method: clinical testing. Allele origin: unknown.

Breakthrough Genomics
Classification: Benign. Review status: criteria provided, single submitter. Criteria: ACMG Guidelines, 2015. Collection method: not provided. Allele origin: germline. Inheritance: Autosomal dominant inheritance. Affected: yes.

PreventionGenetics, part of Exact Sciences
Classification: Benign for CACNA1H-related condition. Last evaluated: 2019-05-08. Review status: no assertion criteria provided. Collection method: clinical testing. Allele origin: germline. Not counted in ClinVar's aggregate classification.
Comment: This variant is classified as benign based on ACMG/AMP sequence variant interpretation guidelines (Richards et al. 2015 PMID: 25741868, with internal and published modifications).